The following is an entry in ClinVar:

NM_000214.3(JAG1):c.1082_1083del (p.Glu361fs)

Gene: JAG1 (jagged canonical Notch ligand 1; minus strand). Cytogenetic location: 20p12.2.
Variant type: Deletion.
Coding change: c.1082_1083del on transcript NM_000214.3 (MANE Select); coding-DNA positions 1082 to 1083, 2 bases deleted (AG; older notation c.1082_1083delAG).
Protein change: p.Glu361fs; shifts the reading frame from glutamic acid 361.
Molecular consequence: frameshift variant.
Genome position (GRCh38, 1-based): chr20:10,651,618-10,651,619, CT deleted on the plus strand (AG on the coding strand, the reverse complement: JAG1 is on the minus strand); deleting any 2 consecutive bases within chr20:10,651,618-10,651,620 gives the same sequence; the c. name uses the placement nearest the transcript's 3' end. VCF-style (leftmost placement, unchanged base first): chr20-10651617-ACT-A. GRCh37 (hg19) VCF-style: chr20-10632265-ACT-A.
Other names: c.1082_1083del, p.Glu361fs (LRG_1191t1); short protein forms E361fs.
Identifiers: ClinVar variation 234602 (VCV000234602.2), dbSNP rs876661111, ClinGen allele CA10577616.
Genomic context (GRCh38, chr20:10,651,617, plus strand): 5'-ACACAGGCTGAAAATTGGACTTACTTGTAGAGCATGTGGGGCCGGTCCAGCCTGGGGAAC[ACT>A]CACACTCAAAGCCCAGGGAGGTCTCCTTACAGCTGCCTCTGTTGTGACAGGGATCAGAGA-3'

ClinVar aggregate classification (germline): Pathogenic (1 of 4 stars; one submission).

Submission:

GeneDx
Classification: Pathogenic. Last evaluated: 2016-06-08. Review status: criteria provided, single submitter. Criteria: GeneDx Variant Classification (06012015). Collection method: clinical testing. Allele origin: germline. Affected: yes.
Comment: The c.1082_1083delAG pathogenic variant in the JAG1 gene causes a frameshift alteration that converts codon 361, normally represented by Glutamic amino acid, to a Valine residue and creates a premature Stop codon at position 15 of the new reading frame, denoted p.Glu361ValfsX15. This pathogenic variant is predicted to cause loss of normal protein function either through protein truncation or nonsense-mediated mRNA decay.